The following is an entry in ClinVar:

ClinVar aggregate classification (germline): Uncertain significance. Review status: criteria provided, multiple submitters, no conflicts (2 of 4 stars). 2 submissions from 2 submitters: Uncertain significance (2). Last evaluated 2024-02-24.

Conditions:
Proteosome-associated autoinflammatory syndrome. Also called: Proteasome-associated autoinflammatory syndrome. Identifiers: Orphanet 324977, MedGen C1850568, MONDO:0009726.
Proteasome-associated autoinflammatory syndrome 1 (PRAAS1). Also called: JOINT CONTRACTURES, MUSCULAR ATROPHY, MICROCYTIC ANEMIA, AND PANNICULITIS-INDUCED LIPODYSTROPHY; JMP SYNDROME; Nakajo syndrome; AUTOINFLAMMATION, LIPODYSTROPHY, AND DERMATOSIS SYNDROME; NAKAJO-NISHIMURA SYNDROME; CHRONIC ATYPICAL NEUTROPHILIC DERMATOSIS WITH LIPODYSTROPHY AND ELEVATED TEMPERATURE SYNDROME. Identifiers: Orphanet 2615, Orphanet 324977, Orphanet 324999, Orphanet 325004, MedGen C4746851, MONDO:0054698, OMIM 256040.

Submissions (2):

Labcorp Genetics (formerly Invitae), Labcorp
Classification: Uncertain significance for Proteosome-associated autoinflammatory syndrome. Last evaluated: 2024-02-24. Review status: criteria provided, single submitter. Criteria: Invitae Variant Classification Sherloc (09022015). Collection method: clinical testing. Allele origin: germline.
Comment: This sequence change replaces glycine, which is neutral and non-polar, with arginine, which is basic and polar, at codon 209 of the PSMB8 protein (p.Gly209Arg). This variant is not present in population databases (gnomAD no frequency). This variant has not been reported in the literature in individuals affected with PSMB8-related conditions. ClinVar contains an entry for this variant (Variation ID: 1034913). Advanced modeling of protein sequence and biophysical properties (such as structural, functional, and spatial information, amino acid conservation, physicochemical variation, residue mobility, and thermodynamic stability) performed at Invitae indicates that this missense variant is expected to disrupt PSMB8 protein function with a positive predictive value of 80%. In summary, the available evidence is currently insufficient to determine the role of this variant in disease. Therefore, it has been classified as a Variant of Uncertain Significance.

Laboratorio de Genetica e Diagnostico Molecular, Hospital Israelita Albert Einstein
Classification: Uncertain significance for Proteasome-associated autoinflammatory syndrome 1. Last evaluated: 2021-03-26. Review status: criteria provided, single submitter. Criteria: ACMG Guidelines, 2015. Collection method: clinical testing. Allele origin: germline. Affected: yes.
Comment: ACMG classification criteria: PM2

NM_148919.4(PSMB8):c.625G>C (p.Gly209Arg)

Gene: PSMB8 (proteasome 20S subunit beta 8; minus strand). Cytogenetic location: 6p21.32.
Variant type: single nucleotide variant.
Coding change: c.625G>C on transcript NM_148919.4 (MANE Select); coding-DNA position 625, G replaced by C.
Protein change: p.Gly209Arg; replaces glycine 209 with arginine.
Molecular consequence: missense variant.
Genome position (GRCh38, 1-based): chr6:32,841,648, C>G on the plus strand (G>C on the coding strand, the complement: PSMB8 is on the minus strand). VCF-style: chr6-32841648-C-G. GRCh37 (hg19) VCF-style: chr6-32809425-C-G.
Other names: c.613G>C, p.Gly205Arg (NM_004159.5); short protein forms G205R, G209R.
Identifiers: ClinVar variation 1034913 (VCV001034913.11), dbSNP rs1202502842, ClinGen allele CA363588563.
Genomic context (GRCh38, chr6:32,841,648, plus strand): 5'-GGCCAAGGTCATAGGCCTCTTCAGGGCTAAGATTAGGCCGATAGCCACTGTCCATGACCC[C>G]GTAGGCATAAGTGTTCCCACTACCCGTGGAGAACATATTTCCTGAGAGCCGAGTCCCATG-3'
Protein context (NP_683720.2, residues 199-219): STGSGNTYAY[Gly209Arg]VMDSGYRPNL